The following is an entry in ClinVar:

ClinVar aggregate classification (germline): Uncertain significance (1 of 4 stars; one submission).

Conditions:
Norman-Roberts syndrome (LIS2). Also called: Lissencephaly 2 (Norman-Roberts type). Identifiers: Orphanet 89844, MedGen C0796089, MONDO:0009760, OMIM 257320.
Familial temporal lobe epilepsy 7. Identifiers: Orphanet 101046, MedGen C4225327, MONDO:0014639, OMIM 616436.

gnomAD v4.1: 9 of 1,613,980 alleles (0.00056%); highest among the groups gnomAD compares: Non-Finnish European, 0.00076%; no homozygotes.

Submission:

Labcorp Genetics (formerly Invitae), Labcorp
Classification: Uncertain significance for Familial temporal lobe epilepsy 7; Norman-Roberts syndrome. Last evaluated: 2024-06-14. Review status: criteria provided, single submitter. Criteria: Invitae Variant Classification Sherloc (09022015). Collection method: clinical testing. Allele origin: germline.
Comment: This sequence change replaces methionine, which is neutral and non-polar, with isoleucine, which is neutral and non-polar, at codon 2135 of the RELN protein (p.Met2135Ile). This variant is present in population databases (no rsID available, gnomAD 0.0009%). This variant has not been reported in the literature in individuals affected with RELN-related conditions. Advanced modeling of protein sequence and biophysical properties (such as structural, functional, and spatial information, amino acid conservation, physicochemical variation, residue mobility, and thermodynamic stability) performed at Invitae indicates that this missense variant is not expected to disrupt RELN protein function with a negative predictive value of 80%. In summary, the available evidence is currently insufficient to determine the role of this variant in disease. Therefore, it has been classified as a Variant of Uncertain Significance.

NM_005045.4(RELN):c.6405G>A (p.Met2135Ile)

Gene: RELN (reelin; minus strand). Cytogenetic location: 7q22.1.
Variant type: single nucleotide variant.
Coding change: c.6405G>A on transcript NM_005045.4 (MANE Select); coding-DNA position 6405, G replaced by A.
Protein change: p.Met2135Ile; replaces methionine 2135 with isoleucine.
Molecular consequence: missense variant.
Genome position (GRCh38, 1-based): chr7:103,545,242, C>T on the plus strand (G>A on the coding strand, the complement: RELN is on the minus strand). VCF-style: chr7-103545242-C-T. GRCh37 (hg19) VCF-style: chr7-103185689-C-T.
Other names: c.6405G>A, p.Met2135Ile (NM_173054.3); short protein forms M2135I.
Identifiers: ClinVar variation 3752446 (VCV003752446.2).